The following is an entry in ClinVar:

ClinVar aggregate classification (germline): Uncertain significance (1 of 4 stars; one submission).

Submission:

Labcorp Genetics (formerly Invitae), Labcorp
Classification: Uncertain significance. Last evaluated: 2025-06-05. Review status: criteria provided, single submitter. Criteria: Invitae Variant Classification Sherloc (09022015). Collection method: clinical testing. Allele origin: germline.
Comment: This variant, c.3845_3847del, results in the deletion of 1 amino acid(s) of the TOP2B protein (p.Gly1282del), but otherwise preserves the integrity of the reading frame. This variant is not present in population databases (gnomAD no frequency). This variant has not been reported in the literature in individuals affected with TOP2B-related conditions. ClinVar contains an entry for this variant (Variation ID: 3700945). Experimental studies and prediction algorithms are not available or were not evaluated, and the functional significance of this variant is currently unknown. In summary, the available evidence is currently insufficient to determine the role of this variant in disease. Therefore, it has been classified as a Variant of Uncertain Significance.

NM_001330700.2(TOP2B):c.3860_3862del (p.Gly1287del)

Gene: TOP2B (DNA topoisomerase II beta; minus strand). Cytogenetic location: 3p24.2.
Variant type: Deletion.
Coding change: c.3860_3862del on transcript NM_001330700.2 (MANE Select); coding-DNA positions 3860 to 3862, 3 bases deleted (GAG; older notation c.3860_3862delGAG).
Protein change: p.Gly1287del; deletes glycine 1287.
Genome position (GRCh38, 1-based): chr3:25,609,637-25,609,639, CTC deleted on the plus strand (GAG on the coding strand, the reverse complement: TOP2B is on the minus strand); deleting any 3 consecutive bases within chr3:25,609,637-25,609,641 gives the same sequence; the c. name uses the placement nearest the transcript's 3' end. VCF-style (leftmost placement, unchanged base first): chr3-25609636-TCTC-T. GRCh37 (hg19) VCF-style: chr3-25651127-TCTC-T.
Other names: c.3845_3847del, p.Gly1282del (NM_001068.3); short protein forms G1282del, G1287del.
Identifiers: ClinVar variation 3700945 (VCV003700945.2).